The following is an entry in ClinVar:

NM_001005361.3(DNM2):c.54C>T (p.Asp18=)

Genes: DNM2 (dynamin 2; plus strand), LOC130063529 (ATAC-STARR-seq lymphoblastoid silent region 10090; plus strand). Cytogenetic location: 19p13.2.
Variant type: single nucleotide variant.
Coding change: c.54C>T on transcript NM_001005361.3 (MANE Select); coding-DNA position 54, C replaced by T.
Protein change: p.Asp18=; no amino-acid change (aspartic acid 18 retained).
Molecular consequence: synonymous variant.
Genome position (GRCh38, 1-based): chr19:10,718,296, C>T. VCF-style: chr19-10718296-C-T. GRCh37 (hg19) VCF-style: chr19-10828972-C-T.
Other names: c.54C>T, p.Asp18= (NM_001005360.3, NM_001005362.3, NM_001190716.2 and 1 more transcripts).
Identifiers: ClinVar variation 4980396 (VCV004980396.1).

ClinVar aggregate classification (germline): Likely benign (1 of 4 stars; one submission).

Conditions:
DNM2-related disorder. Also called: DNM2-related condition.

Submission:

PreventionGenetics, part of Exact Sciences
Classification: Likely benign for DNM2-related condition. Last evaluated: 2026-08-25. Review status: criteria provided, single submitter. Criteria: ACMG Guidelines, 2015. Collection method: clinical testing. Allele origin: germline.
Comment: This variant is classified as likely benign based on ACMG/AMP sequence variant interpretation guidelines (Richards et al. 2015 PMID: 25741868, with internal and published modifications).